The following is an entry in ClinVar:

ClinVar aggregate classification (germline): Uncertain significance (1 of 4 stars; one submission).

Allele frequency attached by ClinVar (database versions not stated): gnomAD exomes below 0.00001.
gnomAD v4.1: 2 of 1,605,856 alleles (0.00012%); highest among the groups gnomAD compares: Admixed American, 0.0034%; no homozygotes.

Submission:

Labcorp Genetics (formerly Invitae), Labcorp
Classification: Uncertain significance. Last evaluated: 2024-12-24. Review status: criteria provided, single submitter. Criteria: Invitae Variant Classification Sherloc (09022015). Collection method: clinical testing. Allele origin: germline.
Comment: This sequence change falls in intron 1 of the ARL2BP gene. It does not directly change the encoded amino acid sequence of the ARL2BP protein. It affects a nucleotide within the consensus splice site. This variant is not present in population databases (gnomAD no frequency). This variant has not been reported in the literature in individuals affected with ARL2BP-related conditions. ClinVar contains an entry for this variant (Variation ID: 2056374). Variants that disrupt the consensus splice site are a relatively common cause of aberrant splicing (PMID: 17576681, 9536098). Algorithms developed to predict the effect of sequence changes on RNA splicing suggest that this variant may disrupt the consensus splice site. In summary, the available evidence is currently insufficient to determine the role of this variant in disease. Therefore, it has been classified as a Variant of Uncertain Significance.

Literature cited by the submitters: PubMed 17576681; PubMed 9536098.

NM_012106.4(ARL2BP):c.38+3G>C

Gene: ARL2BP (ARF like GTPase 2 binding protein; plus strand). Cytogenetic location: 16q13.
Variant type: single nucleotide variant.
Coding change: c.38+3G>C on transcript NM_012106.4 (MANE Select); 3 bases into the intron after coding-DNA position 38, G replaced by C.
Molecular consequence: intron variant.
Genome position (GRCh38, 1-based): chr16:57,245,408, G>C. VCF-style: chr16-57245408-G-C. GRCh37 (hg19) VCF-style: chr16-57279320-G-C.
Identifiers: ClinVar variation 2056374 (VCV002056374.4), dbSNP rs2545930156, ClinGen allele CA2580091694.